The following is an entry in ClinVar:

NM_032383.5(HPS3):c.956_957del (p.Pro319fs)

Gene: HPS3 (HPS3 biogenesis of lysosomal organelles complex 2 subunit 1; plus strand). Cytogenetic location: 3q24.
Variant type: Deletion.
Coding change: c.956_957del on transcript NM_032383.5 (MANE Select); coding-DNA positions 956 to 957, 2 bases deleted (CC; older notation c.956_957delCC).
Protein change: p.Pro319fs; shifts the reading frame from proline 319.
Molecular consequence: frameshift variant.
Genome position (GRCh38, 1-based): chr3:149,141,366-149,141,367, CC deleted; deleting any 2 consecutive bases within chr3:149,141,365-149,141,367 gives the same sequence; the c. name uses the placement nearest the transcript's 3' end. VCF-style (leftmost placement, unchanged base first): chr3-149141364-ACC-A. GRCh37 (hg19) VCF-style: chr3-148859151-ACC-A.
Other names: c.461_462del, p.Pro154fs (NM_001308258.2); short protein forms P154fs, P319fs.
Identifiers: ClinVar variation 1723994 (VCV001723994.2), dbSNP rs2473073722, ClinGen allele CA2580068922.

ClinVar aggregate classification (germline): Likely pathogenic (1 of 4 stars; one submission).

Conditions:
Hermansky-Pudlak syndrome 3 (HPS3). Identifiers: Orphanet 231512, Orphanet 79430, MedGen C3888001, MONDO:0013555, OMIM 614072.

Submission:

Myriad Genetics, Inc.
Classification: Likely pathogenic for Hermansky-Pudlak syndrome 3. Last evaluated: 2022-01-23. Review status: criteria provided, single submitter. Criteria: Myriad Women's Health Autosomal Recessive and X-Linked Classification Criteria (2021). Collection method: clinical testing. Allele origin: unknown.
Comment: NM_032383.3(HPS3):c.956_957delCC(P319Hfs*10) is expected to be pathogenic in the context of Hermansky-Pudlak syndrome type 3. This variant is predicted to lead to an abnormal or absent protein product due to the creation of a premature termination codon in HPS3, a gene where loss-of-function variants are known to be pathogenic. Please note: this variant was assessed in the context of healthy population screening.